The following is an entry in ClinVar:

NM_015178.3(RHOBTB2):c.1044C>T (p.Cys348=)

Gene: RHOBTB2 (Rho related BTB domain containing 2; plus strand). Cytogenetic location: 8p21.3.
Variant type: single nucleotide variant.
Coding change: c.1044C>T on transcript NM_015178.3 (MANE Select); coding-DNA position 1044, C replaced by T.
Protein change: p.Cys348=; no amino-acid change (cysteine 348 retained).
Molecular consequence: synonymous variant.
Genome position (GRCh38, 1-based): chr8:23,007,289, C>T. VCF-style: chr8-23007289-C-T. GRCh37 (hg19) VCF-style: chr8-22864802-C-T.
Other names: c.1110C>T, p.Cys370= (NM_001160036.2); c.1065C>T, p.Cys355= (NM_001160037.2); c.1044C>T, p.Cys348= (NM_001374791.1).
Identifiers: ClinVar variation 1898951 (VCV001898951.30), dbSNP rs148121402, ClinGen allele CA173877210.
Genomic context (GRCh38, chr8:23,007,289, plus strand): 5'-CCATCACCACCACCACCATGGGCGAGACTTCCTGCTCCGAGCAGCCAGCTTTGACGTGTG[C>T]GAGAGCGTGGATGAGGCTGGGGGCTCCGGTCCTGCTGGCCTCCGTGCTTCCACCAGCGAC-3'
Protein context (NP_055993.2, residues 338-358): FLLRAASFDV[Cys348=]ESVDEAGGSG

ClinVar aggregate classification (germline): Likely benign. Review status: criteria provided, multiple submitters, no conflicts (2 of 4 stars). 3 submissions from 3 submitters: Likely benign (3). Last evaluated 2026-05-01.

Allele frequency attached by ClinVar (database versions not stated): gnomAD 0.00003; ESP Exome Variant Server 0.00008.
gnomAD v4.1: 29 of 1,613,418 alleles (0.0018%); highest among the groups gnomAD compares: Non-Finnish European, 0.0022%; no homozygotes.

Submissions (3):

CeGaT Center for Human Genetics Tuebingen
Classification: Likely benign. Last evaluated: 2026-05-01. Review status: criteria provided, single submitter. Criteria: CeGaT Center For Human Genetics Tuebingen Variant Classification Criteria Version 2. Collection method: clinical testing. Allele origin: germline. Affected: yes. Observed: 2 variant alleles.
Comment: RHOBTB2: BP4, BP7

Labcorp Genetics (formerly Invitae), Labcorp
Classification: Likely benign. Last evaluated: 2023-12-20. Review status: criteria provided, single submitter. Criteria: Invitae Variant Classification Sherloc (09022015). Collection method: clinical testing. Allele origin: germline.

Blueprint Genetics
Classification: Likely benign. Last evaluated: 2022-02-15. Review status: criteria provided, single submitter. Criteria: ACMG Guidelines, 2015. Collection method: clinical testing. Allele origin: germline.